The following is an entry in ClinVar:

NM_032119.4(ADGRV1):c.16078+1G>A

Gene: ADGRV1 (adhesion G protein-coupled receptor V1; plus strand). Cytogenetic location: 5q14.3.
Variant type: single nucleotide variant.
Coding change: c.16078+1G>A on transcript NM_032119.4 (MANE Select); the canonical splice donor site of the intron after coding-DNA position 16078, G replaced by A.
Molecular consequence: splice donor variant.
Genome position (GRCh38, 1-based): chr5:90,811,339, G>A. VCF-style: chr5-90811339-G-A. GRCh37 (hg19) VCF-style: chr5-90107156-G-A.
Identifiers: ClinVar variation 2633456 (VCV002633456.1), dbSNP rs2532195034, ClinGen allele CA360411787.

ClinVar aggregate classification (germline): Likely pathogenic (1 of 4 stars; one submission).

Conditions:
ADGRV1-related disorder. Also called: ADGRV1-related condition; ADGRV1-related disorders.

gnomAD v4.1: 2 of 1,576,922 alleles (0.00013%); highest among the groups gnomAD compares: South Asian, 0.0012%; no homozygotes.

Submission:

PreventionGenetics, part of Exact Sciences
Classification: Likely pathogenic for ADGRV1-related condition. Last evaluated: 2023-03-31. Review status: criteria provided, single submitter. Criteria: ACMG Guidelines, 2015. Collection method: clinical testing. Allele origin: germline.
Comment: The ADGRV1 c.16078+1G>A variant is predicted to disrupt the GT donor site and interfere with normal splicing. To our knowledge, this variant has not been reported in the literature or in a large population database, indicating this variant is rare. Variants that disrupt the consensus splice donor site in ADGRV1 are expected to be pathogenic. This variant is interpreted as likely pathogenic.